The following is an entry in ClinVar:

ClinVar aggregate classification (germline): Uncertain significance. Review status: criteria provided, multiple submitters, no conflicts (2 of 4 stars). 2 submissions from 2 submitters: Uncertain significance (2). Last evaluated 2024-01-08.

Conditions:
Cardiovascular phenotype. Identifiers: MedGen CN230736.

Allele frequency attached by ClinVar (database versions not stated): gnomAD exomes below 0.00001; TOPMed below 0.00001; gnomAD 0.00001.
gnomAD v4.1: 5 of 1,613,688 alleles (0.00031%); highest among the groups gnomAD compares: Admixed American, 0.0017%; no homozygotes.

Submissions (2):

Ambry Genetics
Classification: Uncertain significance for Cardiovascular phenotype. Last evaluated: 2024-01-08. Review status: criteria provided, single submitter. Criteria: Ambry Variant Classification Scheme 2023. Collection method: clinical testing. Allele origin: germline.
Comment: The p.G57R variant (also known as c.169G>A), located in coding exon 1 of the JPH2 gene, results from a G to A substitution at nucleotide position 169. The glycine at codon 57 is replaced by arginine, an amino acid with dissimilar properties. This amino acid position is highly conserved in available vertebrate species. In addition, this alteration is predicted to be deleterious by in silico analysis. Since supporting evidence is limited at this time, the clinical significance of this alteration remains unclear.

GeneDx
Classification: Uncertain significance. Last evaluated: 2017-08-29. Review status: criteria provided, single submitter. Criteria: GeneDx Variant Classification (06012015). Collection method: clinical testing. Allele origin: germline. Affected: yes.
Comment: The G57R variant has not been published as pathogenic or been reported as benign to our knowledge. The G57R variant is not observed in large population cohorts (Lek et al., 2016; 1000 Genomes Consortium et al., 2015; Exome Variant Server). The G57R variant is a non-conservative amino acid substitution, which is likely to impact secondary protein structure as these residues differ in polarity, charge, size and/or other properties. This substitution occurs at a position that is conserved across species, and in silico analysis predicts this variant is probably damaging to the protein structure/function.

NM_020433.5(JPH2):c.169G>A (p.Gly57Arg)

Gene: JPH2 (junctophilin 2; minus strand). Cytogenetic location: 20q13.12.
Variant type: single nucleotide variant.
Coding change: c.169G>A on transcript NM_020433.5 (MANE Select); coding-DNA position 169, G replaced by A.
Protein change: p.Gly57Arg; replaces glycine 57 with arginine.
Molecular consequence: missense variant.
Genome position (GRCh38, 1-based): chr20:44,186,537, C>T on the plus strand (G>A on the coding strand, the complement: JPH2 is on the minus strand). VCF-style: chr20-44186537-C-T. GRCh37 (hg19) VCF-style: chr20-42815177-C-T.
Other names: c.169G>A, p.Gly57Arg (NM_175913.4); short protein forms G57R.
Identifiers: ClinVar variation 451746 (VCV000451746.3), dbSNP rs1288721821, ClinGen allele CA409095384.
Genomic context (GRCh38, chr20:44,186,537, plus strand): 5'-TGGTCTCTATGCCCAGCCCATGCCGTTTGCCCTGGCTCCAGTATCCCTCAAAGGTGTTTC[C>T]GCTGGGCCAGGTGTAGACACCTGCCACCTCAAAGCCAAAGTTCCAGGAGCCAGAGTATTC-3'
Protein context (NP_065166.2, residues 47-67): EVAGVYTWPS[Gly57Arg]NTFEGYWSQG